The following is an entry in ClinVar:

NM_006953.4(UPK3A):c.731C>T (p.Thr244Met)

Gene: UPK3A (uroplakin 3A; plus strand). Cytogenetic location: 22q13.31.
Variant type: single nucleotide variant.
Coding change: c.731C>T on transcript NM_006953.4 (MANE Select); coding-DNA position 731, C replaced by T.
Protein change: p.Thr244Met; replaces threonine 244 with methionine.
Molecular consequence: missense variant.
Genome position (GRCh38, 1-based): chr22:45,295,586, C>T. VCF-style: chr22-45295586-C-T. GRCh37 (hg19) VCF-style: chr22-45691467-C-T.
Other names: c.368C>T, p.Thr123Met (NM_001167574.2); short protein forms T244M, T123M.
Identifiers: ClinVar variation 341985 (VCV000341985.8), dbSNP rs374008042, ClinGen allele CA10284531.
Genomic context (GRCh38, chr22:45,295,586, plus strand): 5'-CCCTAATCCTGGGTCTTTCCATCCCCTTGGACAGGGACATGGGGAGTTCTGATGGGGAAA[C>T]GACTCACGACTCCCAAATCACTCAGGAGGCTGTTCCCAAGTCGCTGGGGGCCTCGGAGTC-3'
Protein context (NP_008884.1, residues 234-254): LVDMGSSDGE[Thr244Met]THDSQITQEA

ClinVar aggregate classification (germline): Conflicting classifications of pathogenicity. Review status: criteria provided, conflicting classifications (1 of 4 stars). 3 submissions from 3 submitters: Uncertain significance (2); Likely benign (1). Last evaluated 2024-03-28.

Conditions:
Renal hypodysplasia/aplasia 1 (RHDA1). Also called: RENAL APLASIA; HEREDITARY RENAL APLASIA. Identifiers: Orphanet 411709, MedGen C1619700, MONDO:0024519, OMIM 191830.
UPK3A-related disorder. Also called: UPK3A-related condition.

Allele frequency attached by ClinVar (database versions not stated): ESP Exome Variant Server 0.00008; gnomAD 0.00012 and 0.00013; TOPMed 0.00015; 1000 Genomes Project 30x 0.00016; ExAC 0.00016; gnomAD exomes 0.00016; 1000 Genomes Project 0.00020.

Submissions (3):

Ambry Genetics
Classification: Likely benign. Last evaluated: 2024-03-28. Review status: criteria provided, single submitter. Criteria: Ambry Variant Classification Scheme 2023. Collection method: clinical testing. Allele origin: germline.

PreventionGenetics, part of Exact Sciences
Classification: Uncertain significance for UPK3A-related condition. Last evaluated: 2023-03-06. Review status: criteria provided, single submitter. Criteria: ACMG Guidelines, 2015. Collection method: clinical testing. Allele origin: germline.
Comment: The UPK3A c.731C>T variant is predicted to result in the amino acid substitution p.Thr244Met. To our knowledge, this variant has not been reported in the literature. This variant is reported in 0.034% of alleles in individuals of Latino descent in gnomAD. At this time, the clinical significance of this variant is uncertain due to the absence of conclusive functional and genetic evidence.

Illumina Laboratory Services, Illumina
Classification: Uncertain significance for Renal hypodysplasia/aplasia 1. Last evaluated: 2018-01-13. Review status: criteria provided, single submitter. Criteria: ICSL Variant Classification Criteria 13 December 2019. Collection method: clinical testing. Allele origin: germline.